The following is an entry in ClinVar:

ClinVar aggregate classification (germline): Uncertain significance (1 of 4 stars; one submission).

Allele frequency attached by ClinVar (database versions not stated): ExAC 0.00001; gnomAD 0.00001; gnomAD exomes 0.00003; TOPMed 0.00004.
gnomAD v4.1: 47 of 1,612,176 alleles (0.0029%); highest among the groups gnomAD compares: Non-Finnish European, 0.0037%; no homozygotes.

Submission:

Labcorp Genetics (formerly Invitae), Labcorp
Classification: Uncertain significance. Last evaluated: 2022-06-23. Review status: criteria provided, single submitter. Criteria: Invitae Variant Classification Sherloc (09022015). Collection method: clinical testing. Allele origin: germline.
Comment: In summary, the available evidence is currently insufficient to determine the role of this variant in disease. Therefore, it has been classified as a Variant of Uncertain Significance. Algorithms developed to predict the effect of missense changes on protein structure and function (SIFT, PolyPhen-2, Align-GVGD) all suggest that this variant is likely to be disruptive. This variant has not been reported in the literature in individuals affected with SLC26A1-related conditions. This variant is present in population databases (rs769261621, gnomAD 0.004%). This sequence change replaces tyrosine, which is neutral and polar, with cysteine, which is neutral and slightly polar, at codon 112 of the SLC26A1 protein (p.Tyr112Cys).

NM_022042.4(SLC26A1):c.335A>G (p.Tyr112Cys)

Genes: IDUA (alpha-L-iduronidase; plus strand), SLC26A1 (solute carrier family 26 member 1; minus strand). Cytogenetic location: 4p16.3.
Variant type: single nucleotide variant.
Coding change: c.335A>G on transcript NM_022042.4 (MANE Select); coding-DNA position 335, A replaced by G.
Protein change: p.Tyr112Cys; replaces tyrosine 112 with cysteine.
Molecular consequence: missense variant. On other transcripts: intron variant (1).
Genome position (GRCh38, 1-based): chr4:991,369, T>C on the plus strand (A>G on the coding strand, the complement: SLC26A1 is on the minus strand). VCF-style: chr4-991369-T-C. GRCh37 (hg19) VCF-style: chr4-985157-T-C.
Other names: c.335A>G, p.Tyr112Cys (NM_134425.4, NM_213613.4); c.299+3420T>C (NM_000203.5); short protein forms Y112C.
Identifiers: ClinVar variation 2202360 (VCV002202360.4), dbSNP rs769261621, ClinGen allele CA2801699.